The following is an entry in ClinVar:

NM_001080467.3(MYO5B):c.3804C>T (p.Ile1268=)

Gene: MYO5B (myosin VB; minus strand). Cytogenetic location: 18q21.1.
Variant type: single nucleotide variant.
Coding change: c.3804C>T on transcript NM_001080467.3 (MANE Select); coding-DNA position 3804, C replaced by T.
Protein change: p.Ile1268=; no amino-acid change (isoleucine 1268 retained).
Molecular consequence: synonymous variant.
Genome position (GRCh38, 1-based): chr18:49,864,180, G>A on the plus strand (C>T on the coding strand, the complement: MYO5B is on the minus strand). VCF-style: chr18-49864180-G-A. GRCh37 (hg19) VCF-style: chr18-47390550-G-A.
Other names: c.3804C>T (NM_001080467.2).
Identifiers: ClinVar variation 1584774 (VCV001584774.10), dbSNP rs751424284, ClinGen allele CA8960590.

ClinVar aggregate classification (germline): Likely benign. Review status: criteria provided, single submitter (1 of 4 stars). 2 submissions from 2 submitters: Likely benign (1). 1 of the submissions does not count toward it. Last evaluated 2023-11-27.

Conditions:
MYO5B-related disorder. Also called: MYO5B-related condition.

gnomAD v4.1: 13 of 1,612,298 alleles (0.00081%); highest among the groups gnomAD compares: East Asian, 0.02%; no homozygotes.

Submissions (2):

Labcorp Genetics (formerly Invitae), Labcorp
Classification: Likely benign. Last evaluated: 2023-11-27. Review status: criteria provided, single submitter. Criteria: Invitae Variant Classification Sherloc (09022015). Collection method: clinical testing. Allele origin: germline.

PreventionGenetics, part of Exact Sciences
Classification: Likely benign for MYO5B-related condition. Last evaluated: 2024-04-19. Review status: no assertion criteria provided. Collection method: clinical testing. Allele origin: germline. Not counted in ClinVar's aggregate classification.
Comment: This variant is classified as likely benign based on ACMG/AMP sequence variant interpretation guidelines (Richards et al. 2015 PMID: 25741868, with internal and published modifications).